The following is an entry in ClinVar:

NM_212482.4(FN1):c.6820G>A (p.Val2274Ile)

Gene: FN1 (fibronectin 1; minus strand). Cytogenetic location: 2q35.
Variant type: single nucleotide variant.
Coding change: c.6820G>A on transcript NM_212482.4 (MANE Select); coding-DNA position 6820, G replaced by A.
Protein change: p.Val2274Ile; replaces valine 2274 with isoleucine.
Molecular consequence: missense variant.
Genome position (GRCh38, 1-based): chr2:215,370,327, C>T on the plus strand (G>A on the coding strand, the complement: FN1 is on the minus strand). VCF-style: chr2-215370327-C-T. GRCh37 (hg19) VCF-style: chr2-216235050-C-T.
Other names: c.6727G>A, p.Val2243Ile (NM_001306129.2); c.6190G>A, p.Val2064Ile (NM_001306130.2); c.6184G>A, p.Val2062Ile (NM_001306131.2); c.6109G>A, p.Val2037Ile (NM_001306132.2); c.6550G>A, p.Val2184Ile (NM_001365517.2); c.6547G>A, p.Val2183Ile (NM_001365518.2); c.6475G>A, p.Val2159Ile (NM_001365519.2); c.6472G>A, p.Val2158Ile (NM_001365520.2); and 9 more; short protein forms V2068I, V2243I, V2062I, V2064I, V2128I, V2153I, V2159I, V2183I.
Identifiers: ClinVar variation 1965919 (VCV001965919.6), dbSNP rs766249142, ClinGen allele CA2093757.

ClinVar aggregate classification (germline): Uncertain significance. Review status: criteria provided, multiple submitters, no conflicts (2 of 4 stars). 2 submissions from 2 submitters: Uncertain significance (2). Last evaluated 2025-08-29.

Conditions:
Inborn genetic diseases. Identifiers: MedGen C0950123, MeSH D030342.

Allele frequency attached by ClinVar (database versions not stated): ExAC 0.00001; TOPMed 0.00001.
gnomAD v4.1: 2 of 1,614,004 alleles (0.00012%); highest among the groups gnomAD compares: Admixed American, 0.0033%; no homozygotes.

Submissions (2):

Ambry Genetics
Classification: Uncertain significance for Inborn genetic diseases. Last evaluated: 2025-08-29. Review status: criteria provided, single submitter. Criteria: Ambry Variant Classification Scheme 2023. Collection method: clinical testing. Allele origin: germline.

Labcorp Genetics (formerly Invitae), Labcorp
Classification: Uncertain significance. Last evaluated: 2025-04-09. Review status: criteria provided, single submitter. Criteria: Invitae Variant Classification Sherloc (09022015). Collection method: clinical testing. Allele origin: germline.
Comment: This sequence change replaces valine, which is neutral and non-polar, with isoleucine, which is neutral and non-polar, at codon 2274 of the FN1 protein (p.Val2274Ile). This variant is present in population databases (rs766249142, gnomAD 0.003%). This variant has not been reported in the literature in individuals affected with FN1-related conditions. ClinVar contains an entry for this variant (Variation ID: 1965919). An algorithm developed to predict the effect of missense changes on protein structure and function outputs the following: PolyPhen-2: "Benign". The isoleucine amino acid residue is found in multiple mammalian species, which suggests that this missense change does not adversely affect protein function. In summary, the available evidence is currently insufficient to determine the role of this variant in disease. Therefore, it has been classified as a Variant of Uncertain Significance.